The following is an entry in ClinVar:

ClinVar aggregate classification (germline): Likely pathogenic (1 of 4 stars; one submission).

Submission:

CeGaT Center for Human Genetics Tuebingen
Classification: Likely pathogenic. Last evaluated: 2025-10-01. Review status: criteria provided, single submitter. Criteria: CeGaT Center For Human Genetics Tuebingen Variant Classification Criteria Version 2. Collection method: clinical testing. Allele origin: germline. Affected: yes. Observed: 1 variant allele.
Comment: SMC3: PVS1:Strong, PM2

NC_000010.11:g.110601022del

Gene: SMC3 (structural maintenance of chromosomes 3; plus strand). Cytogenetic location: 10q25.2.
Variant type: Deletion.
Genome position: GRCh38 VCF-style: chr10-110601020-AG-A. GRCh37 (hg19) VCF-style: chr10-112360778-AG-A.
Identifiers: ClinVar variation 4534823 (VCV004534823.6).